The following is an entry in ClinVar:

NM_201253.3(CRB1):c.4157A>G (p.Lys1386Arg)

Gene: CRB1 (crumbs cell polarity complex component 1; plus strand). Cytogenetic location: 1q31.3.
Variant type: single nucleotide variant.
Coding change: c.4157A>G on transcript NM_201253.3 (MANE Select); coding-DNA position 4157, A replaced by G.
Protein change: p.Lys1386Arg; replaces lysine 1386 with arginine.
Molecular consequence: missense variant. On other transcripts: non-coding transcript variant (2).
Genome position (GRCh38, 1-based): chr1:197,477,815, A>G. VCF-style: chr1-197477815-A-G. GRCh37 (hg19) VCF-style: chr1-197446945-A-G.
Other names: c.3821A>G, p.Lys1274Arg (NM_001193640.2); c.4085A>G, p.Lys1362Arg (NM_001257965.2); c.2549A>G, p.Lys850Arg (NM_001257966.2); c.4157A>G (NM_201253.2); short protein forms K1274R, K1362R, K1386R, K850R.
Identifiers: ClinVar variation 1023437 (VCV001023437.8), dbSNP rs776191501, ClinGen allele CA1312565.

ClinVar aggregate classification (germline): Uncertain significance. Review status: criteria provided, multiple submitters, no conflicts (2 of 4 stars). 6 submissions from 4 submitters: Uncertain significance (5). 1 of the submissions does not count toward it. Last evaluated 2023-04-11.

Conditions:
Inborn genetic diseases. Identifiers: MedGen C0950123, MeSH D030342.
Leber congenital amaurosis (LCA). Also called: Leber's amaurosis. Identifiers: Orphanet 65, MedGen C0339527, MeSH D057130, MONDO:0018998.
Leber congenital amaurosis 8 (LCA8). Identifiers: Orphanet 65, MedGen C3151202, MONDO:0013453, OMIM 613835.
Pigmented paravenous retinochoroidal atrophy. Identifiers: Orphanet 251295, MedGen C1868310, MONDO:0008246, OMIM 172870.
Retinitis pigmentosa 12 (RP12). Also called: RP WITH OR WITHOUT PRESERVED PARAARTERIOLE RETINAL PIGMENT EPITHELIUM; RETINITIS PIGMENTOSA WITH OR WITHOUT PARAARTERIOLAR PRESERVATION OF RETINAL PIGMENT EPITHELIUM; RP WITH OR WITHOUT PPRPE. Identifiers: Orphanet 791, MedGen C1838647, MONDO:0010818, OMIM 600105.

Allele frequency attached by ClinVar (database versions not stated): ExAC 0.00001; gnomAD exomes 0.00001; TOPMed 0.00002; gnomAD 0.00003 and 0.00004.
gnomAD v4.1: 8 of 1,613,806 alleles (0.0005%); highest among the groups gnomAD compares: African/African-American, 0.004%; no homozygotes.

Submissions (6):

Genome-Nilou Lab
Classification: Uncertain significance for Leber congenital amaurosis 8. Last evaluated: 2023-04-11. Review status: criteria provided, single submitter. Criteria: ACMG Guidelines, 2015. Collection method: clinical testing. Allele origin: germline. Affected: no.

Genome-Nilou Lab
Classification: Uncertain significance for Pigmented paravenous retinochoroidal atrophy. Last evaluated: 2023-04-11. Review status: criteria provided, single submitter. Criteria: ACMG Guidelines, 2015. Collection method: clinical testing. Allele origin: germline. Affected: no.

Genome-Nilou Lab
Classification: Uncertain significance for Retinitis pigmentosa 12. Last evaluated: 2023-04-11. Review status: criteria provided, single submitter. Criteria: ACMG Guidelines, 2015. Collection method: clinical testing. Allele origin: germline. Affected: no.

Ambry Genetics
Classification: Uncertain significance for Inborn genetic diseases. Last evaluated: 2022-10-03. Review status: criteria provided, single submitter. Criteria: Ambry Variant Classification Scheme 2023. Collection method: clinical testing. Allele origin: germline.

Labcorp Genetics (formerly Invitae), Labcorp
Classification: Uncertain significance for Leber congenital amaurosis 8; Retinitis pigmentosa 12. Last evaluated: 2022-07-06. Review status: criteria provided, single submitter. Criteria: Invitae Variant Classification Sherloc (09022015). Collection method: clinical testing. Allele origin: germline.
Comment: This sequence change replaces lysine, which is basic and polar, with arginine, which is basic and polar, at codon 1386 of the CRB1 protein (p.Lys1386Arg). This variant is present in population databases (rs776191501, gnomAD 0.004%). This variant has not been reported in the literature in individuals affected with CRB1-related conditions. ClinVar contains an entry for this variant (Variation ID: 1023437). Advanced modeling of protein sequence and biophysical properties (such as structural, functional, and spatial information, amino acid conservation, physicochemical variation, residue mobility, and thermodynamic stability) performed at Invitae indicates that this missense variant is not expected to disrupt CRB1 protein function. In summary, the available evidence is currently insufficient to determine the role of this variant in disease. Therefore, it has been classified as a Variant of Uncertain Significance.

Natera, Inc.
Classification: Uncertain significance for Leber congenital amaurosis. Last evaluated: 2021-02-28. Review status: no assertion criteria provided. Collection method: clinical testing. Allele origin: germline. Not counted in ClinVar's aggregate classification.